The following is an entry in ClinVar:

ClinVar aggregate classification (germline): Uncertain significance (1 of 4 stars; one submission).

Submission:

Labcorp Genetics (formerly Invitae), Labcorp
Classification: Uncertain significance. Last evaluated: 2020-03-06. Review status: criteria provided, single submitter. Criteria: Invitae Variant Classification Sherloc (09022015). Collection method: clinical testing. Allele origin: germline.
Comment: This sequence change replaces proline with arginine at codon 380 of the MAP3K7 protein (p.Pro380Arg). The proline residue is moderately conserved and there is a moderate physicochemical difference between proline and arginine. In summary, the available evidence is currently insufficient to determine the role of this variant in disease. Therefore, it has been classified as a Variant of Uncertain Significance. Algorithms developed to predict the effect of missense changes on protein structure and function are either unavailable or do not agree on the potential impact of this missense change (SIFT: "Deleterious"; PolyPhen-2: "Benign"; Align-GVGD: "Class C0"). This variant has not been reported in the literature in individuals with MAP3K7-related conditions. This variant is not present in population databases (ExAC no frequency).

NM_145331.3(MAP3K7):c.1139C>G (p.Pro380Arg)

Gene: MAP3K7 (mitogen-activated protein kinase kinase kinase 7; minus strand). Cytogenetic location: 6q15.
Variant type: single nucleotide variant.
Coding change: c.1139C>G on transcript NM_145331.3 (MANE Select); coding-DNA position 1139, C replaced by G.
Protein change: p.Pro380Arg; replaces proline 380 with arginine.
Molecular consequence: missense variant.
Genome position (GRCh38, 1-based): chr6:90,547,329, G>C on the plus strand (C>G on the coding strand, the complement: MAP3K7 is on the minus strand). VCF-style: chr6-90547329-G-C. GRCh37 (hg19) VCF-style: chr6-91257048-G-C.
Other names: c.1139C>G, p.Pro380Arg (NM_003188.4, NM_145332.3, NM_145333.3); short protein forms P380R.
Identifiers: ClinVar variation 1051062 (VCV001051062.9), dbSNP rs2127971680, ClinGen allele CA365008713.
Genomic context (GRCh38, chr6:90,547,329, plus strand): 5'-GCGATCCTAGCTTCTATTTCAGACATGTCAGCACTCATCCTCTTGCCCTCAGAGGTTGGG[G>C]GCAAGCTCTCCACACTGCTCCCACGGGAGGCTCCCAAGCTTAAACGTCCAGATTCACTCT-3'
Protein context (NP_663304.1, residues 370-390): ASRGSSVESL[Pro380Arg]PTSEGKRMSA